The following is an entry in ClinVar:

ClinVar aggregate classification (germline): Likely benign. Review status: criteria provided, multiple submitters, no conflicts (2 of 4 stars). 2 submissions from 2 submitters: Likely benign (2). Last evaluated 2024-08-01.

Allele frequency attached by ClinVar (database versions not stated): gnomAD exomes below 0.00001 and 0.00001; ExAC 0.00001; gnomAD 0.00001; TOPMed 0.00001.
gnomAD v4.1: 6 of 1,612,868 alleles (0.00037%); highest among the groups gnomAD compares: South Asian, 0.0011%; no homozygotes.

Submissions (2):

CeGaT Center for Human Genetics Tuebingen
Classification: Likely benign. Last evaluated: 2024-08-01. Review status: criteria provided, single submitter. Criteria: CeGaT Center For Human Genetics Tuebingen Variant Classification Criteria Version 2. Collection method: clinical testing. Allele origin: germline. Affected: yes. Observed: 1 variant allele.
Comment: CAD: BP4, BP7

Labcorp Genetics (formerly Invitae), Labcorp
Classification: Likely benign. Last evaluated: 2022-03-03. Review status: criteria provided, single submitter. Criteria: Invitae Variant Classification Sherloc (09022015). Collection method: clinical testing. Allele origin: germline.

NM_004341.5(CAD):c.4284C>T (p.Ile1428=)

Gene: CAD (carbamoyl-phosphate synthetase 2, aspartate transcarbamylase, and dihydroorotase; plus strand). Cytogenetic location: 2p23.3.
Variant type: single nucleotide variant.
Coding change: c.4284C>T on transcript NM_004341.5 (MANE Select); coding-DNA position 4284, C replaced by T.
Protein change: p.Ile1428=; no amino-acid change (isoleucine 1428 retained).
Molecular consequence: synonymous variant.
Genome position (GRCh38, 1-based): chr2:27,236,493, C>T. VCF-style: chr2-27236493-C-T. GRCh37 (hg19) VCF-style: chr2-27459361-C-T.
Other names: c.4095C>T, p.Ile1365= (NM_001306079.2).
Identifiers: ClinVar variation 1571433 (VCV001571433.24), dbSNP rs748541858, ClinGen allele CA1573469.